The following is an entry in ClinVar:

NM_199355.4(ADAMTS18):c.92C>T (p.Ala31Val)

Gene: ADAMTS18 (ADAM metallopeptidase with thrombospondin type 1 motif 18; minus strand). Cytogenetic location: 16q23.1.
Variant type: single nucleotide variant.
Coding change: c.92C>T on transcript NM_199355.4 (MANE Select); coding-DNA position 92, C replaced by T.
Protein change: p.Ala31Val; replaces alanine 31 with valine.
Molecular consequence: missense variant. On other transcripts: 5 prime UTR variant (1).
Genome position (GRCh38, 1-based): chr16:77,434,504, G>A on the plus strand (C>T on the coding strand, the complement: ADAMTS18 is on the minus strand). VCF-style: chr16-77434504-G-A. GRCh37 (hg19) VCF-style: chr16-77468401-G-A.
Other names: c.-429C>T (NM_001326358.2); short protein forms A31V.
Identifiers: ClinVar variation 1044165 (VCV001044165.9), dbSNP rs377554176, ClinGen allele CA8181793.

ClinVar aggregate classification (germline): Uncertain significance. Review status: criteria provided, multiple submitters, no conflicts (2 of 4 stars). 2 submissions from 2 submitters: Uncertain significance (2). Last evaluated 2025-01-06.

Allele frequency attached by ClinVar (database versions not stated): gnomAD exomes 0.00003; gnomAD 0.00005; TOPMed 0.00005; ESP Exome Variant Server 0.00008; ExAC 0.00010.
gnomAD v4.1: 15 of 1,557,044 alleles (0.00096%); highest among the groups gnomAD compares: East Asian, 0.012%; no homozygotes.

Submissions (2):

Labcorp Genetics (formerly Invitae), Labcorp
Classification: Uncertain significance. Last evaluated: 2025-01-06. Review status: criteria provided, single submitter. Criteria: Invitae Variant Classification Sherloc (09022015). Collection method: clinical testing. Allele origin: germline.
Comment: This sequence change replaces alanine, which is neutral and non-polar, with valine, which is neutral and non-polar, at codon 31 of the ADAMTS18 protein (p.Ala31Val). The frequency data for this variant in the population databases is considered unreliable, as metrics indicate poor data quality at this position in the gnomAD database. This variant has not been reported in the literature in individuals affected with ADAMTS18-related conditions. ClinVar contains an entry for this variant (Variation ID: 1044165). An algorithm developed to predict the effect of missense changes on protein structure and function (PolyPhen-2) suggests that this variant is likely to be tolerated. In summary, the available evidence is currently insufficient to determine the role of this variant in disease. Therefore, it has been classified as a Variant of Uncertain Significance.

Blueprint Genetics
Classification: Uncertain significance. Last evaluated: 2024-08-22. Review status: criteria provided, single submitter. Criteria: ACMG Guidelines, 2015. Collection method: clinical testing. Allele origin: germline.